The following continues an entry in ClinVar:

NM_025114.4(CEP290):c.3175dup (p.Ile1059fs)

Gene: CEP290. ClinVar aggregate classification (germline): Pathogenic. Pathogenic (1).

Submissions 13 to 20 of 20:

Institute of Human Genetics, Univ. Regensburg, Univ. Regensburg
Classification: Pathogenic for Retinal dystrophy. Last evaluated: 2019-01-01. Review status: no assertion criteria provided. Criteria: ACMG Guidelines, 2015. Collection method: clinical testing. Allele origin: germline. Affected: yes. Not counted in ClinVar's aggregate classification.

Clinical Genetics DNA and cytogenetics Diagnostics Lab, Erasmus MC, Erasmus Medical Center
Classification: Pathogenic. Review status: no assertion criteria provided. Collection method: clinical testing. Allele origin: germline. Affected: yes. Study: VKGL Data-share Consensus. Not counted in ClinVar's aggregate classification.

Clinical Genetics, Academic Medical Center
Classification: Pathogenic. Review status: no assertion criteria provided. Collection method: clinical testing. Allele origin: germline. Affected: yes. Study: VKGL Data-share Consensus. Not counted in ClinVar's aggregate classification.

Diagnostic Laboratory, Department of Genetics, University Medical Center Groningen
Classification: Pathogenic. Review status: no assertion criteria provided. Collection method: clinical testing. Allele origin: germline. Affected: yes. Study: VKGL Data-share Consensus. Not counted in ClinVar's aggregate classification.

Genome Diagnostics Laboratory, Amsterdam University Medical Center
Classification: Pathogenic. Review status: no assertion criteria provided. Collection method: clinical testing. Allele origin: germline. Affected: yes. Study: VKGL Data-share Consensus. Not counted in ClinVar's aggregate classification.

Genome Diagnostics Laboratory, University Medical Center Utrecht
Classification: Pathogenic. Review status: no assertion criteria provided. Collection method: clinical testing. Allele origin: germline. Affected: yes. Study: VKGL Data-share Consensus. Not counted in ClinVar's aggregate classification.

Joint Genome Diagnostic Labs from Nijmegen and Maastricht, Radboudumc and MUMC+
Classification: Pathogenic. Review status: no assertion criteria provided. Collection method: clinical testing. Allele origin: germline. Affected: yes. Study: VKGL Data-share Consensus. Not counted in ClinVar's aggregate classification.

Retina International
No classification provided. Review status: no classification provided. Collection method: not provided. Allele origin: unknown. Not counted in ClinVar's aggregate classification.

Literature cited by the submitters: PubMed 16909394 (cited by Labcorp Genetics (formerly Invitae), Labcorp); PubMed 17345604 (cited by Labcorp Genetics (formerly Invitae), Labcorp); PubMed 20690115 (cited by Labcorp Genetics (formerly Invitae), Labcorp); PubMed 16682973 (cited by Labcorp Genetics (formerly Invitae), Labcorp); PubMed 21245082 (cited by Labcorp Genetics (formerly Invitae), Labcorp); PubMed 22355252 (cited by Labcorp Genetics (formerly Invitae), Labcorp and Natera, Inc.); PubMed 25920555 (cited by Labcorp Genetics (formerly Invitae), Labcorp); PubMed 23559409 (cited by Natera, Inc.).